The following is an entry in ClinVar:

ClinVar aggregate classification (germline): Uncertain significance (1 of 4 stars; one submission).

Conditions:
SCAPER-related disorder. Also called: SCAPER-related condition.

gnomAD v4.1: 4 of 1,611,468 alleles (0.00025%); highest among the groups gnomAD compares: African/African-American, 0.0013%; no homozygotes.

Submission:

PreventionGenetics, part of Exact Sciences
Classification: Uncertain significance for SCAPER-related condition. Last evaluated: 2026-04-02. Review status: criteria provided, single submitter. Criteria: ACMG Guidelines, 2015. Collection method: clinical testing. Allele origin: germline.
Comment: The SCAPER c.2792C>T variant is predicted to result in the amino acid substitution p.Ala931Val. To our knowledge, this variant has not been reported in the literature. This variant is reported in 0.0066% of alleles in individuals of African descent in gnomAD. At this time, the clinical significance of this variant is uncertain due to the absence of conclusive functional and genetic evidence.

NM_020843.4(SCAPER):c.2774C>T (p.Ala925Val)

Gene: SCAPER (S-phase cyclin A associated protein in the ER; minus strand). Cytogenetic location: 15q24.3.
Variant type: single nucleotide variant.
Coding change: c.2774C>T on transcript NM_020843.4 (MANE Select); coding-DNA position 2774, C replaced by T.
Protein change: p.Ala925Val; replaces alanine 925 with valine.
Molecular consequence: missense variant. On other transcripts: non-coding transcript variant (1).
Genome position (GRCh38, 1-based): chr15:76,574,222, G>A on the plus strand (C>T on the coding strand, the complement: SCAPER is on the minus strand). VCF-style: chr15-76574222-G-A. GRCh37 (hg19) VCF-style: chr15-76866563-G-A.
Other names: c.2036C>T, p.Ala679Val (NM_001145923.2); c.2792C>T, p.Ala931Val (NM_001353009.2); c.2372C>T, p.Ala791Val (NM_001353010.2, NM_001353012.2); c.2390C>T, p.Ala797Val (NM_001353011.2); short protein forms A791V, A925V, A679V, A797V, A931V.
Identifiers: ClinVar variation 4978615 (VCV004978615.1).
Genomic context (GRCh38, chr15:76,574,222, plus strand): 5'-TTTTCCAGTATTCTAGTGATCTCTCCTAGGGTCCGATCCAAAGCAGACACTTTATTGTTT[G>A]CCCATGAGCCACTGTCTTGAACTTGTACTTGTTTTAGAAGATCTTTGGCTAATCGCTGAA-3'
Protein context (NP_065894.2, residues 915-935): QVQVQDSGSW[Ala925Val]NNKVSALDRT